The following is an entry in ClinVar:

ClinVar aggregate classification (germline): Likely benign. Review status: criteria provided, multiple submitters, no conflicts (2 of 4 stars). 2 submissions from 2 submitters: Likely benign (2). Last evaluated 2025-02-21.

Conditions:
Spondyloepimetaphyseal dysplasia with joint laxity (SEMDJL). Identifiers: MedGen C0432243, MONDO:0019675.
Ehlers-Danlos syndrome, spondylodysplastic type, 2 (EDSSPD2). Also called: Ehlers-Danlos syndrome, progeroid type, 2. Identifiers: Orphanet 536467, Orphanet 75496, MedGen C3809210, MONDO:0014139, OMIM 615349.

Allele frequency attached by ClinVar (database versions not stated): gnomAD 0.00003.
gnomAD v4.1: 5 of 992,150 alleles (0.0005%); highest among the groups gnomAD compares: Admixed American, 0.019%; no homozygotes.

Submissions (2):

Mayo Clinic Laboratories, Mayo Clinic
Classification: Likely benign. Last evaluated: 2025-02-21. Review status: criteria provided, single submitter. Criteria: ACMG Guidelines, 2015. Collection method: clinical testing. Allele origin: germline. Observed: 1 variant allele.
Comment: BP4, BP7, PM2_supporting

Labcorp Genetics (formerly Invitae), Labcorp
Classification: Likely benign for Ehlers-Danlos syndrome, spondylodysplastic type, 2; Spondyloepimetaphyseal dysplasia with joint laxity. Last evaluated: 2022-08-20. Review status: criteria provided, single submitter. Criteria: Invitae Variant Classification Sherloc (09022015). Collection method: clinical testing. Allele origin: germline.

NM_080605.4(B3GALT6):c.147C>A (p.Pro49=)

Gene: B3GALT6 (beta-1,3-galactosyltransferase 6; plus strand). Cytogenetic location: 1p36.33.
Variant type: single nucleotide variant.
Coding change: c.147C>A on transcript NM_080605.4 (MANE Select); coding-DNA position 147, C replaced by A.
Protein change: p.Pro49=; no amino-acid change (proline 49 retained).
Molecular consequence: synonymous variant.
Genome position (GRCh38, 1-based): chr1:1,232,425, C>A. VCF-style: chr1-1232425-C-A. GRCh37 (hg19) VCF-style: chr1-1167805-C-A.
Other names: p.Pro49=.
Identifiers: ClinVar variation 1638655 (VCV001638655.9), dbSNP rs1204837935, ClinGen allele CA415760852.